The following is an entry in ClinVar:

NM_152564.5(VPS13B):c.763-7A>G

Gene: VPS13B (vacuolar protein sorting 13 homolog B; plus strand). Cytogenetic location: 8q22.2.
Variant type: single nucleotide variant.
Coding change: c.763-7A>G on transcript NM_152564.5 (MANE Select); 7 bases into the intron before coding-DNA position 763, A replaced by G.
Molecular consequence: intron variant.
Genome position (GRCh38, 1-based): chr8:99,115,693, A>G. VCF-style: chr8-99115693-A-G. GRCh37 (hg19) VCF-style: chr8-100127921-A-G.
Other names: c.763-7A>G (NM_017890.5, NM_015243.3, NM_181661.3).
Identifiers: ClinVar variation 1449509 (VCV001449509.8), dbSNP rs972645639, ClinGen allele CA182884713.
Genomic context (GRCh38, chr8:99,115,693, plus strand): 5'-TTCTTTATGTAAAAAATACTCTTTTTAAACATGCGTTTGTTGGTGTTATGTCTTTTTCAA[A>G]ATGCAGATTCATACTTTAGTGGAAAGTTTGAAACTTTCTATCACAGATCAACAACTGCCT-3'

ClinVar aggregate classification (germline): Uncertain significance (1 of 4 stars; one submission).

Conditions:
Cohen syndrome (COH1). Also called: Cutis verticis gyrata, retinitis pigmentosa, and sensorineural deafness; PEPPER SYNDROME. Identifiers: Orphanet 193, MedGen C0265223, MONDO:0008999, OMIM 216550.

Allele frequency attached by ClinVar (database versions not stated): gnomAD 0.00001.
gnomAD v4.1: 1 of 1,611,764 alleles (0.000062%); highest among the groups gnomAD compares: Non-Finnish European, 0.000085%; no homozygotes.

Submission:

Labcorp Genetics (formerly Invitae), Labcorp
Classification: Uncertain significance for Cohen syndrome. Last evaluated: 2022-08-08. Review status: criteria provided, single submitter. Criteria: Invitae Variant Classification Sherloc (09022015). Collection method: clinical testing. Allele origin: germline.
Comment: In summary, the available evidence is currently insufficient to determine the role of this variant in disease. Therefore, it has been classified as a Variant of Uncertain Significance. Algorithms developed to predict the effect of sequence changes on RNA splicing suggest that this variant may disrupt the consensus splice site. ClinVar contains an entry for this variant (Variation ID: 1449509). This variant has not been reported in the literature in individuals affected with VPS13B-related conditions. This variant is not present in population databases (gnomAD no frequency). This sequence change falls in intron 6 of the VPS13B gene. It does not directly change the encoded amino acid sequence of the VPS13B protein.